The following is an entry in ClinVar:

ClinVar aggregate classification (germline): Likely benign. Review status: criteria provided, multiple submitters, no conflicts (2 of 4 stars). 3 submissions from 3 submitters: Likely benign (3). Last evaluated 2025-08-09.

Conditions:
Neurofibromatosis, type 2 (SWNV). Also called: BILATERAL ACOUSTIC NEUROFIBROMATOSIS; NF2-Related Schwannomatosis; SCHWANNOMATOSIS, VESTIBULAR. Identifiers: Orphanet 637, MedGen C0027832, MONDO:0007039, OMIM 101000. Disease mechanism: loss of function.
Hereditary cancer-predisposing syndrome. Also called: Tumor predisposition; Hereditary Cancer Syndrome; Hereditary neoplastic syndrome; Neoplastic Syndromes, Hereditary. Identifiers: Orphanet 140162, MedGen C0027672, MeSH D009386, MONDO:0015356.

Allele frequency attached by ClinVar (database versions not stated): gnomAD 0.00001; TOPMed 0.00001.
gnomAD v4.1: 1 of 1,613,794 alleles (0.000062%); highest among the groups gnomAD compares: East Asian, 0.0022%; no homozygotes.

Submissions (3):

Labcorp Genetics (formerly Invitae), Labcorp
Classification: Likely benign for Neurofibromatosis, type 2. Last evaluated: 2025-08-09. Review status: criteria provided, single submitter. Criteria: Invitae Variant Classification Sherloc (09022015). Collection method: clinical testing. Allele origin: germline.

All of Us Research Program, National Institutes of Health
Classification: Likely benign for Neurofibromatosis, type 2. Last evaluated: 2023-04-03. Review status: criteria provided, single submitter. Criteria: ACMG Guidelines, 2015. Collection method: clinical testing. Allele origin: germline. Inheritance: Autosomal dominant inheritance. Observed: 1 variant allele, 1 heterozygote.
Comment: This study involves interpretation of variants in research participants for the purpose of population health screening. Participant phenotype was not available at the time of variant classification. Additional details can be found in publication PMID: 35346344, PMCID: PMC8962531

Ambry Genetics
Classification: Likely benign for Hereditary cancer-predisposing syndrome. Last evaluated: 2022-05-28. Review status: criteria provided, single submitter. Criteria: Ambry Variant Classification Scheme 2023. Collection method: clinical testing. Allele origin: germline.

NM_000268.4(NF2):c.546A>G (p.Glu182=)

Gene: NF2 (NF2, moesin-ezrin-radixin like (MERLIN) tumor suppressor; plus strand). Cytogenetic location: 22q12.2.
Variant type: single nucleotide variant.
Coding change: c.546A>G on transcript NM_000268.4 (MANE Select); coding-DNA position 546, A replaced by G.
Protein change: p.Glu182=; no amino-acid change (glutamic acid 182 retained).
Molecular consequence: synonymous variant. On other transcripts: non-coding transcript variant (1), intron variant (1).
Genome position (GRCh38, 1-based): chr22:29,655,623, A>G. VCF-style: chr22-29655623-A-G. GRCh37 (hg19) VCF-style: chr22-30051612-A-G.
Other names: c.546A>G, p.Glu182= (NM_016418.5, NM_181825.3, NM_181832.3); c.420A>G, p.Glu140= (NM_181828.3); c.423A>G, p.Glu141= (NM_181829.3); c.297A>G, p.Glu99= (NM_181830.3, NM_181831.3); c.447+13338A>G (NM_181833.3).
Identifiers: ClinVar variation 1135008 (VCV001135008.12), dbSNP rs1202105168, ClinGen allele CA514181696.